The following is an entry in ClinVar:

NM_002691.4(POLD1):c.126G>C (p.Glu42Asp)

Gene: POLD1 (DNA polymerase delta 1, catalytic subunit; plus strand). Cytogenetic location: 19q13.33.
Variant type: single nucleotide variant.
Coding change: c.126G>C on transcript NM_002691.4 (MANE Select); coding-DNA position 126, G replaced by C.
Protein change: p.Glu42Asp; replaces glutamic acid 42 with aspartic acid.
Molecular consequence: missense variant. On other transcripts: non-coding transcript variant (1).
Genome position (GRCh38, 1-based): chr19:50,398,977, G>C. VCF-style: chr19-50398977-G-C. GRCh37 (hg19) VCF-style: chr19-50902234-G-C.
Other names: c.126G>C, p.Glu42Asp (NM_001256849.1, NM_001308632.1); short protein forms E42D.
Identifiers: ClinVar variation 964052 (VCV000964052.14), dbSNP rs993203717, ClinGen allele CA309597862.

ClinVar aggregate classification (germline): Uncertain significance. Review status: criteria provided, multiple submitters, no conflicts (2 of 4 stars). 3 submissions from 3 submitters: Uncertain significance (3). Last evaluated 2025-10-07.

Conditions:
POLD1-related polyposis and colorectal cancer syndrome (CRCS10). Also called: Colorectal cancer 10; COLORECTAL CANCER, SUSCEPTIBILITY TO, ON CHROMOSOME 19q; Colorectal cancer, susceptibility to, 10. Identifiers: Orphanet 220460, MedGen C2675481, MONDO:0012953, OMIM 612591.
Immunodeficiency 120. Identifiers: MedGen C5935622, MONDO:0970994, OMIM 620836.
Mandibular hypoplasia-deafness-progeroid syndrome. Also called: Mandibular hypoplasia, deafness, progeroid features, and lipodystrophy syndrome. Identifiers: Orphanet 363649, MedGen C3715192, MONDO:0014157, OMIM 615381.
Hereditary cancer-predisposing syndrome. Also called: Tumor predisposition; Hereditary Cancer Syndrome; Hereditary neoplastic syndrome; Neoplastic Syndromes, Hereditary. Identifiers: Orphanet 140162, MedGen C0027672, MeSH D009386, MONDO:0015356.

Allele frequency attached by ClinVar (database versions not stated): TOPMed 0.00001.

Submissions (3):

Ambry Genetics
Classification: Uncertain significance for Hereditary cancer-predisposing syndrome. Last evaluated: 2025-10-07. Review status: criteria provided, single submitter. Criteria: Ambry Variant Classification Scheme 2023. Collection method: clinical testing. Allele origin: germline.

Labcorp Genetics (formerly Invitae), Labcorp
Classification: Uncertain significance for POLD1-related polyposis and colorectal cancer syndrome. Last evaluated: 2025-09-25. Review status: criteria provided, single submitter. Criteria: Invitae Variant Classification Sherloc (09022015). Collection method: clinical testing. Allele origin: germline.
Comment: This sequence change replaces glutamic acid, which is acidic and polar, with aspartic acid, which is acidic and polar, at codon 42 of the POLD1 protein (p.Glu42Asp). This variant is not present in population databases (gnomAD no frequency). This variant has not been reported in the literature in individuals affected with POLD1-related conditions. ClinVar contains an entry for this variant (Variation ID: 964052). An algorithm developed to predict the effect of missense changes on protein structure and function (PolyPhen-2) suggests that this variant is likely to be disruptive. In summary, the available evidence is currently insufficient to determine the role of this variant in disease. Therefore, it has been classified as a Variant of Uncertain Significance.

Fulgent Genetics
Classification: Uncertain significance for POLD1-related polyposis and colorectal cancer syndrome; Mandibular hypoplasia-deafness-progeroid syndrome; Immunodeficiency 120. Last evaluated: 2024-03-09. Review status: criteria provided, single submitter. Criteria: ACMG Guidelines, 2015. Collection method: clinical testing. Allele origin: germline.